The following is an entry in ClinVar:

ClinVar aggregate classification (germline): Uncertain significance (1 of 4 stars; one submission).

gnomAD v4.1: 1 of 1,578,480 alleles (0.000063%); highest among the groups gnomAD compares: Non-Finnish European, 0.000086%; no homozygotes.

Submission:

GeneDx
Classification: Uncertain significance. Last evaluated: 2023-08-08. Review status: criteria provided, single submitter. Criteria: GeneDx Variant Classification Process June 2021. Collection method: clinical testing. Allele origin: germline. Affected: yes.
Comment: Has not been previously published as pathogenic or benign to our knowledge; Not observed at significant frequency in large population cohorts (gnomAD); In silico analysis supports that this missense variant does not alter protein structure/function

NM_004408.4(DNM1):c.1368G>A (p.Met456Ile)

Gene: DNM1 (dynamin 1; plus strand). Cytogenetic location: 9q34.11.
Variant type: single nucleotide variant.
Coding change: c.1368G>A on transcript NM_004408.4 (MANE Select); coding-DNA position 1368, G replaced by A.
Protein change: p.Met456Ile; replaces methionine 456 with isoleucine.
Molecular consequence: missense variant.
Genome position (GRCh38, 1-based): chr9:128,234,053, G>A. VCF-style: chr9-128234053-G-A. GRCh37 (hg19) VCF-style: chr9-130996332-G-A.
Other names: c.1368G>A, p.Met456Ile (NM_001005336.3, NM_001288737.2, NM_001288738.2 and 2 more transcripts); short protein forms M456I.
Identifiers: ClinVar variation 3361900 (VCV003361900.1).